The following is an entry in ClinVar:

NM_001130144.3(LTBP3):c.3907C>A (p.Arg1303Ser)

Gene: LTBP3 (latent transforming growth factor beta binding protein 3; minus strand). Cytogenetic location: 11q13.1.
Variant type: single nucleotide variant.
Coding change: c.3907C>A on transcript NM_001130144.3 (MANE Select); coding-DNA position 3907, C replaced by A.
Protein change: p.Arg1303Ser; replaces arginine 1303 with serine.
Molecular consequence: missense variant.
Genome position (GRCh38, 1-based): chr11:65,539,085, G>T on the plus strand (C>A on the coding strand, the complement: LTBP3 is on the minus strand). VCF-style: chr11-65539085-G-T. GRCh37 (hg19) VCF-style: chr11-65306556-G-T.
Other names: c.3415C>A, p.Arg1139Ser (NM_001164266.1); c.3766C>A, p.Arg1256Ser (NM_021070.4); short protein forms R1256S, R1139S, R1303S.
Identifiers: ClinVar variation 1736066 (VCV001736066.7), dbSNP rs1186461257, ClinGen allele CA381265752.
Genomic context (GRCh38, chr11:65,539,085, plus strand): 5'-CGCGGAAATCCCTCAGTGATCACCGAGGTCTGGGCCGAGGGCGGCGTCGGCGGCGTCAGC[G>T]GCGGCGCTGGGGAACGCAGGCCCCGTGCGGGCGGCTGCGCGCGAAGCCGGCTTTGCAGAC-3'
Protein context (NP_001123616.1, residues 1293-1303): PHGACVPQRR[Arg1303Ser]

ClinVar aggregate classification (germline): Uncertain significance. Review status: criteria provided, multiple submitters, no conflicts (2 of 4 stars). 2 submissions from 2 submitters: Uncertain significance (2). Last evaluated 2024-09-10.

Conditions:
Inborn genetic diseases. Identifiers: MedGen C0950123, MeSH D030342.
Brachyolmia-amelogenesis imperfecta syndrome. Also called: PLATYSPONDYLY WITH AMELOGENESIS IMPERFECTA; Tooth agenesis, selective, 6; Dental anomalies and short stature. Identifiers: Orphanet 2899, MedGen C1832594, MONDO:0011018, OMIM 601216. Disease mechanism: loss of function.

Allele frequency attached by ClinVar (database versions not stated): TOPMed below 0.00001.
gnomAD v4.1: 1 of 1,405,050 alleles (0.000071%); no homozygotes.

Submissions (2):

Labcorp Genetics (formerly Invitae), Labcorp
Classification: Uncertain significance for Brachyolmia-amelogenesis imperfecta syndrome. Last evaluated: 2024-09-10. Review status: criteria provided, single submitter. Criteria: Invitae Variant Classification Sherloc (09022015). Collection method: clinical testing. Allele origin: germline.
Comment: This sequence change replaces arginine, which is basic and polar, with serine, which is neutral and polar, at codon 1303 of the LTBP3 protein (p.Arg1303Ser). This variant is not present in population databases (gnomAD no frequency). This variant has not been reported in the literature in individuals affected with LTBP3-related conditions. ClinVar contains an entry for this variant (Variation ID: 1736066). An algorithm developed to predict the effect of missense changes on protein structure and function (PolyPhen-2) suggests that this variant is likely to be disruptive. In summary, the available evidence is currently insufficient to determine the role of this variant in disease. Therefore, it has been classified as a Variant of Uncertain Significance.

Ambry Genetics
Classification: Uncertain significance for Inborn genetic diseases. Last evaluated: 2021-06-22. Review status: criteria provided, single submitter. Criteria: Ambry Variant Classification Scheme 2023. Collection method: clinical testing. Allele origin: germline.
Comment: The p.R1303S variant (also known as c.3907C>A), located in coding exon 28 of the LTBP3 gene, results from a C to A substitution at nucleotide position 3907. The arginine at codon 1303 is replaced by serine, an amino acid with dissimilar properties. This amino acid position is conserved. In addition, the in silico prediction for this alteration is inconclusive. Since supporting evidence is limited at this time, the clinical significance of this alteration remains unclear.